The following is an entry in ClinVar:

ClinVar aggregate classification (germline): Uncertain significance (1 of 4 stars; one submission).

gnomAD v4.1: 1 of 1,608,888 alleles (0.000062%); highest among the groups gnomAD compares: East Asian, 0.0022%; no homozygotes.

Submission:

Labcorp Genetics (formerly Invitae), Labcorp
Classification: Uncertain significance. Last evaluated: 2022-03-02. Review status: criteria provided, single submitter. Criteria: Invitae Variant Classification Sherloc (09022015). Collection method: clinical testing. Allele origin: germline.
Comment: In summary, the available evidence is currently insufficient to determine the role of this variant in disease. Therefore, it has been classified as a Variant of Uncertain Significance. Algorithms developed to predict the effect of missense changes on protein structure and function are either unavailable or do not agree on the potential impact of this missense change (SIFT: "Not Available"; PolyPhen-2: "Benign"; Align-GVGD: "Not Available"). This variant has not been reported in the literature in individuals affected with USH1G-related conditions. This variant is not present in population databases (gnomAD no frequency). This sequence change replaces glutamic acid with glutamine at codon 171 of the USH1G protein (p.Glu171Gln). The glutamic acid residue is moderately conserved and there is a small physicochemical difference between glutamic acid and glutamine.

NM_173477.5(USH1G):c.511G>C (p.Glu171Gln)

Gene: USH1G (USH1 protein network component sans; minus strand). Cytogenetic location: 17q25.1.
Variant type: single nucleotide variant.
Coding change: c.511G>C on transcript NM_173477.5 (MANE Select); coding-DNA position 511, G replaced by C.
Protein change: p.Glu171Gln; replaces glutamic acid 171 with glutamine.
Molecular consequence: missense variant.
Genome position (GRCh38, 1-based): chr17:74,920,325, C>G on the plus strand (G>C on the coding strand, the complement: USH1G is on the minus strand). VCF-style: chr17-74920325-C-G. GRCh37 (hg19) VCF-style: chr17-72916420-C-G.
Other names: c.202G>C, p.Glu68Gln (NM_001282489.3); short protein forms E68Q, E171Q.
Identifiers: ClinVar variation 1354899 (VCV001354899.8), dbSNP rs201866631, ClinGen allele CA400964946.
Genomic context (GRCh38, chr17:74,920,325, plus strand): 5'-GCAGCCGGCGGCTCAGGGTGCTGGACGTGAGGCTGGAGAAGCTGAGGGTGTCGGAACGCT[C>G]GGCCAGCTCGCGCCGGTATCGCCGCTCCATGCGTTCGTGGTGCCTCCGCTGCAGCTTGGC-3'
Protein context (NP_775748.2, residues 161-181): MERRYRRELA[Glu171Gln]RSDTLSFSSL